The following is an entry in ClinVar:

NM_001195129.2(PRSS56):c.53A>G (p.His18Arg)

Gene: PRSS56 (serine protease 56; plus strand). Cytogenetic location: 2q37.1.
Variant type: single nucleotide variant.
Coding change: c.53A>G on transcript NM_001195129.2 (MANE Select); coding-DNA position 53, A replaced by G.
Protein change: p.His18Arg; replaces histidine 18 with arginine.
Molecular consequence: missense variant.
Genome position (GRCh38, 1-based): chr2:232,520,651, A>G. VCF-style: chr2-232520651-A-G. GRCh37 (hg19) VCF-style: chr2-233385361-A-G.
Other names: c.53A>G, p.His18Arg (NM_001369848.1); short protein forms H18R.
Identifiers: ClinVar variation 2103754 (VCV002103754.4), dbSNP rs2469694307, ClinGen allele CA350981444.

ClinVar aggregate classification (germline): Uncertain significance (1 of 4 stars; one submission).

Conditions:
Isolated microphthalmia 6. Also called: MICROPHTHALMIA, POSTERIOR NONSYNDROMIC. Identifiers: Orphanet 2542, MedGen C3150757, MONDO:0013293, OMIM 613517.

Submission:

Labcorp Genetics (formerly Invitae), Labcorp
Classification: Uncertain significance for Isolated microphthalmia 6. Last evaluated: 2022-09-01. Review status: criteria provided, single submitter. Criteria: Invitae Variant Classification Sherloc (09022015). Collection method: clinical testing. Allele origin: germline.
Comment: In summary, the available evidence is currently insufficient to determine the role of this variant in disease. Therefore, it has been classified as a Variant of Uncertain Significance. Algorithms developed to predict the effect of missense changes on protein structure and function output the following: SIFT: "Tolerated"; PolyPhen-2: "Not Available"; Align-GVGD: "Class C0". The arginine amino acid residue is found in multiple mammalian species, which suggests that this missense change does not adversely affect protein function. This variant has not been reported in the literature in individuals affected with PRSS56-related conditions. This variant is not present in population databases (gnomAD no frequency). This sequence change replaces histidine, which is basic and polar, with arginine, which is basic and polar, at codon 18 of the PRSS56 protein (p.His18Arg).